The following is an entry in ClinVar:

ClinVar aggregate classification (germline): Benign/Likely benign. Review status: criteria provided, multiple submitters, no conflicts (2 of 4 stars). 7 submissions from 7 submitters: Benign (6); Likely benign (1). Last evaluated 2026-02-02.

Conditions:
Hereditary cancer-predisposing syndrome. Also called: Neoplastic Syndromes, Hereditary; Tumor predisposition; Hereditary Cancer Syndrome; Hereditary neoplastic syndrome. Identifiers: Orphanet 140162, MedGen C0027672, MeSH D009386, MONDO:0015356.
Neuroblastoma, susceptibility to, 3. Also called: ALK-Related Neuroblastic Tumor Susceptibility. Identifiers: Orphanet 635, MedGen C2751681, MONDO:0013083, OMIM 613014.

Allele frequency attached by ClinVar (database versions not stated): gnomAD exomes 0.00155; ExAC 0.00197; gnomAD 0.00625 and 0.00677; ESP Exome Variant Server 0.00684; 1000 Genomes Project 0.00699; TOPMed 0.00709; 1000 Genomes Project 30x 0.00718.
gnomAD v4.1: 1,774 of 1,614,108 alleles (0.11%); highest among the groups gnomAD compares: African/African-American, 2.1%; 16 homozygotes.

Submissions (7):

Labcorp Genetics (formerly Invitae), Labcorp
Classification: Benign for Neuroblastoma, susceptibility to, 3. Last evaluated: 2026-02-02. Review status: criteria provided, single submitter. Criteria: Invitae Variant Classification Sherloc (09022015). Collection method: clinical testing. Allele origin: germline.

Blueprint Genetics
Classification: Likely benign. Last evaluated: 2024-11-25. Review status: criteria provided, single submitter. Criteria: ACMG Guidelines, 2015. Collection method: clinical testing. Allele origin: germline.

KCCC/NGS Laboratory, Kuwait Cancer Control Center
Classification: Benign for Neuroblastoma, susceptibility to, 3. Last evaluated: 2023-07-07. Review status: criteria provided, single submitter. Criteria: ACMG Guidelines, 2015. Collection method: clinical testing. Allele origin: germline. Affected: yes.

Women's Health and Genetics/Laboratory Corporation of America, LabCorp
Classification: Benign. Last evaluated: 2023-05-28. Review status: criteria provided, single submitter. Criteria: LabCorp Variant Classification Summary - May 2015. Collection method: clinical testing. Allele origin: germline.

Ambry Genetics
Classification: Benign for Hereditary cancer-predisposing syndrome. Last evaluated: 2018-11-13. Review status: criteria provided, single submitter. Criteria: Ambry Variant Classification Scheme 2023. Collection method: clinical testing. Allele origin: germline.

Illumina Laboratory Services, Illumina
Classification: Benign for Neuroblastoma, susceptibility to, 3. Last evaluated: 2018-01-13. Review status: criteria provided, single submitter. Criteria: ICSL Variant Classification Criteria 13 December 2019. Collection method: clinical testing. Allele origin: germline.
Comment: This variant was observed in the ICSL laboratory as part of a predisposition screen in an ostensibly healthy population. It had not been previously curated by ICSL or reported in the Human Gene Mutation Database (HGMD: prior to June 1st, 2018), and was therefore a candidate for classification through an automated scoring system. Utilizing variant allele frequency, disease prevalence and penetrance estimates, and inheritance mode, an automated score was calculated to assess if this variant is too frequent to cause the disease. Based on the score and internal cut-off values, a variant classified as benign is not then subjected to further curation. The score for this variant resulted in a classification of benign for this disease.

GeneDx
Classification: Benign. Last evaluated: 2018-01-02. Review status: criteria provided, single submitter. Criteria: GeneDx Variant Classification (06012015). Collection method: clinical testing. Allele origin: germline. Affected: yes.
Comment: This variant is considered likely benign or benign based on one or more of the following criteria: it is a conservative change, it occurs at a poorly conserved position in the protein, it is predicted to be benign by multiple in silico algorithms, and/or has population frequency not consistent with disease.

NM_004304.5(ALK):c.2175C>T (p.Ile725=)

Gene: ALK (ALK receptor tyrosine kinase; minus strand). Cytogenetic location: 2p23.2.
Variant type: single nucleotide variant.
Coding change: c.2175C>T on transcript NM_004304.5 (MANE Select); coding-DNA position 2175, C replaced by T.
Protein change: p.Ile725=; no amino-acid change (isoleucine 725 retained).
Molecular consequence: synonymous variant.
Genome position (GRCh38, 1-based): chr2:29,251,134, G>A on the plus strand (C>T on the coding strand, the complement: ALK is on the minus strand). VCF-style: chr2-29251134-G-A. GRCh37 (hg19) VCF-style: chr2-29474000-G-A.
Identifiers: ClinVar variation 335704 (VCV000335704.22), dbSNP rs57881134, ClinGen allele CA1594419.